The following is an entry in ClinVar:

ClinVar aggregate classification (germline): Uncertain significance (1 of 4 stars; one submission).

Submission:

GeneDx
Classification: Uncertain significance. Last evaluated: 2022-01-28. Review status: criteria provided, single submitter. Criteria: GeneDx Variant Classification Process June 2021. Collection method: clinical testing. Allele origin: germline. Affected: yes.
Comment: Not observed at significant frequency in large population cohorts (gnomAD); In silico analysis supports that this missense variant does not alter protein structure/function; Has not been previously published as pathogenic or benign to our knowledge

NM_007325.5(GRIA3):c.356C>T (p.Ala119Val)

Gene: GRIA3 (glutamate ionotropic receptor AMPA type subunit 3; plus strand). Cytogenetic location: Xq25.
Variant type: single nucleotide variant.
Coding change: c.356C>T on transcript NM_007325.5 (MANE Select); coding-DNA position 356, C replaced by T.
Protein change: p.Ala119Val; replaces alanine 119 with valine.
Molecular consequence: missense variant.
Genome position (GRCh38, 1-based): chrX:123,253,390, C>T. VCF-style: chrX-123253390-C-T. GRCh37 (hg19) VCF-style: chrX-122387241-C-T.
Other names: c.356C>T, p.Ala119Val (NM_000828.5); short protein forms A119V.
Identifiers: ClinVar variation 1699759 (VCV001699759.2), dbSNP rs2147282636, ClinGen allele CA414260255.